The following is an entry in ClinVar:

NC_000016.10:g.(?_169780)_(182142_?)del

Genes: HBA1 (hemoglobin subunit alpha 1; plus strand), HBA2 (hemoglobin subunit alpha 2; plus strand), HBQ1 (hemoglobin subunit theta 1; plus strand), LOC106804612 (hemoglobin subunit alpha 2 recombination region; plus strand), LOC106804613 (hemoglobin subunit alpha 1 recombination region; plus strand) and 2 more. Cytogenetic location: 16p13.3.
Variant type: Deletion.
Identifiers: ClinVar variation 487448 (VCV000487448.2).

ClinVar aggregate classification (germline): Pathogenic (0 of 4 stars; one submission).

Conditions:
alpha Thalassemia. Also called: Alpha thalassemia spectrum. Identifiers: Orphanet 846, MedGen C0002312, MONDO:0011399, OMIM 604131.

Submission:

Counsyl
Classification: Pathogenic for alpha Thalassemia. Last evaluated: 2015-01-14. Review status: no assertion criteria provided. Collection method: clinical testing. Allele origin: unknown.
Comment: #NAME? This submission and the accompanying classification are no longer maintained by the submitter.

Literature cited by the submitters: PubMed 21599435; PubMed 20154289; PubMed 15650030; PubMed 12393486; PubMed 8781536; PubMed 23590659.